The following is an entry in ClinVar:

ClinVar aggregate classification (germline): Uncertain significance. Review status: criteria provided, multiple submitters, no conflicts (2 of 4 stars). 2 submissions from 2 submitters: Uncertain significance (2). Last evaluated 2023-12-06.

Conditions:
Familial thoracic aortic aneurysm and aortic dissection (TAAD). Also called: Thoracic aortic aneurysms and dissections. Identifiers: Orphanet 91387, MedGen C4707243, MONDO:0019625.

gnomAD v4.1: 2 of 1,212,194 alleles (0.00016%); highest among the groups gnomAD compares: South Asian, 0.0035%; no homozygotes.

Submissions (2):

GeneDx
Classification: Uncertain significance. Last evaluated: 2023-12-06. Review status: criteria provided, single submitter. Criteria: GeneDx Variant Classification Process June 2021. Collection method: clinical testing. Allele origin: germline. Affected: yes.
Comment: Not observed at significant frequency in large population cohorts (gnomAD); In silico analysis supports that this missense variant has a deleterious effect on protein structure/function; Has not been previously published as pathogenic or benign to our knowledge

Ambry Genetics
Classification: Uncertain significance for Familial thoracic aortic aneurysm and aortic dissection. Last evaluated: 2020-11-06. Review status: criteria provided, single submitter. Criteria: Ambry Variant Classification Scheme 2023. Collection method: clinical testing. Allele origin: germline.
Comment: The p.P389S variant (also known as c.1165C>T), located in coding exon 7 of the FLNA gene, results from a C to T substitution at nucleotide position 1165. The proline at codon 389 is replaced by serine, an amino acid with similar properties. This amino acid position is highly conserved in available vertebrate species. In addition, the in silico prediction for this alteration is inconclusive. Since supporting evidence is limited at this time, the clinical significance of this alteration remains unclear.

NM_001110556.2(FLNA):c.1165C>T (p.Pro389Ser)

Gene: FLNA (filamin A; minus strand). Cytogenetic location: Xq28.
Variant type: single nucleotide variant.
Coding change: c.1165C>T on transcript NM_001110556.2 (MANE Select); coding-DNA position 1165, C replaced by T.
Protein change: p.Pro389Ser; replaces proline 389 with serine.
Molecular consequence: missense variant.
Genome position (GRCh38, 1-based): chrX:154,366,371, G>A on the plus strand (C>T on the coding strand, the complement: FLNA is on the minus strand). VCF-style: chrX-154366371-G-A. GRCh37 (hg19) VCF-style: chrX-153594739-G-A.
Other names: c.1165C>T, p.Pro389Ser (NM_001456.4); short protein forms P389S.
Identifiers: ClinVar variation 1302853 (VCV001302853.5), dbSNP rs2148117979, ClinGen allele CA415244378.